The following is an entry in ClinVar:

ClinVar aggregate classification (germline): Uncertain significance (1 of 4 stars; one submission).

Submission:

GeneDx
Classification: Uncertain significance. Last evaluated: 2025-04-09. Review status: criteria provided, single submitter. Criteria: GeneDx Variant Classification Process June 2021. Collection method: clinical testing. Allele origin: germline.
Comment: Not observed at significant frequency in large population cohorts (gnomAD); In silico analysis supports that this missense variant does not alter protein structure/function; Has not been previously published as pathogenic or benign to our knowledge

NM_001378414.1(HDAC4):c.1193G>A (p.Ser398Asn)

Gene: HDAC4 (histone deacetylase 4; minus strand). Cytogenetic location: 2q37.3.
Variant type: single nucleotide variant.
Coding change: c.1193G>A on transcript NM_001378414.1 (MANE Select); coding-DNA position 1193, G replaced by A.
Protein change: p.Ser398Asn; replaces serine 398 with asparagine.
Molecular consequence: missense variant.
Genome position (GRCh38, 1-based): chr2:239,134,346, C>T on the plus strand (G>A on the coding strand, the complement: HDAC4 is on the minus strand). VCF-style: chr2-239134346-C-T. GRCh37 (hg19) VCF-style: chr2-240056042-C-T.
Other names: c.1193G>A, p.Ser398Asn (NM_001378415.1, NM_001378416.1, NM_001378417.1 and 1 more transcripts); short protein forms S398N.
Identifiers: ClinVar variation 3368734 (VCV003368734.2).